The following is an entry in ClinVar:

ClinVar aggregate classification (germline): Uncertain significance. Review status: criteria provided, multiple submitters, no conflicts (2 of 4 stars). 2 submissions from 2 submitters: Uncertain significance (2). Last evaluated 2025-10-26.

Conditions:
Autosomal dominant nonsyndromic hearing loss 1. Also called: KONIGSMARK SYNDROME; DEAFNESS, AUTOSOMAL DOMINANT 1, WITH OR WITHOUT THROMBOCYTOPENIA. Identifiers: Orphanet 90635, MedGen C1852282, MONDO:0007424, OMIM 124900.
Progressive microcephaly-seizures-cortical blindness-developmental delay syndrome. Also called: Seizures, cortical blindness, and microcephaly syndrome. Identifiers: Orphanet 477814, MedGen C5567650, MONDO:0014714, OMIM 616632.

Allele frequency attached by ClinVar (database versions not stated): ExAC 0.00001; gnomAD exomes 0.00001 and 0.00002; TOPMed 0.00001.

Submissions (2):

Labcorp Genetics (formerly Invitae), Labcorp
Classification: Uncertain significance for Progressive microcephaly-seizures-cortical blindness-developmental delay syndrome; Autosomal dominant nonsyndromic hearing loss 1. Last evaluated: 2025-10-26. Review status: criteria provided, single submitter. Criteria: Invitae Variant Classification Sherloc (09022015). Collection method: clinical testing. Allele origin: germline.
Comment: This sequence change replaces glycine, which is neutral and non-polar, with cysteine, which is neutral and slightly polar, at codon 735 of the DIAPH1 protein (p.Gly735Cys). This variant is present in population databases (rs757761745, gnomAD 0.003%). This variant has not been reported in the literature in individuals affected with DIAPH1-related conditions. ClinVar contains an entry for this variant (Variation ID: 1520595). Experimental studies and prediction algorithms are not available or were not evaluated, and the functional significance of this variant is currently unknown. In summary, the available evidence is currently insufficient to determine the role of this variant in disease. Therefore, it has been classified as a Variant of Uncertain Significance.

GeneDx
Classification: Uncertain significance. Last evaluated: 2024-12-30. Review status: criteria provided, single submitter. Criteria: GeneDx Variant Classification Process June 2021. Collection method: clinical testing. Allele origin: germline. Affected: yes.
Comment: In silico analysis indicates that this missense variant does not alter protein structure/function; Has not been previously published as pathogenic or benign to our knowledge

NM_005219.5(DIAPH1):c.2203G>T (p.Gly735Cys)

Gene: DIAPH1 (diaphanous related formin 1; minus strand). Cytogenetic location: 5q31.3.
Variant type: single nucleotide variant.
Coding change: c.2203G>T on transcript NM_005219.5 (MANE Select); coding-DNA position 2203, G replaced by T.
Protein change: p.Gly735Cys; replaces glycine 735 with cysteine.
Molecular consequence: missense variant.
Genome position (GRCh38, 1-based): chr5:141,573,647, C>A on the plus strand (G>T on the coding strand, the complement: DIAPH1 is on the minus strand). VCF-style: chr5-141573647-C-A. GRCh37 (hg19) VCF-style: chr5-140953214-C-A.
Other names: c.2203G>T (NM_005219.4); c.2176G>T, p.Gly726Cys (NM_001079812.3); c.2203G>T, p.Gly735Cys (NM_001314007.2); short protein forms G726C, G735C.
Identifiers: ClinVar variation 1520595 (VCV001520595.7), dbSNP rs757761745, ClinGen allele CA3479134.